The following is an entry in ClinVar:

ClinVar aggregate classification (germline): Uncertain significance (1 of 4 stars; one submission).

Conditions:
Autosomal recessive Alport syndrome (ATS2). Also called: Alport syndrome type 2; ALPORT SYNDROME 2, AUTOSOMAL RECESSIVE; COL4A4 Alport Syndrome and Thin Basement Membrane Nephropathy; COL4A3-Related Nephropathy. Identifiers: Orphanet 63, Orphanet 88919, MedGen C4746745, MONDO:0008762, OMIM 203780.

gnomAD v4.1: 1 of 1,613,502 alleles (0.000062%); highest among the groups gnomAD compares: East Asian, 0.0022%; no homozygotes.

Submission:

3billion
Classification: Uncertain significance for Autosomal recessive Alport syndrome. Last evaluated: 2025-01-21. Review status: criteria provided, single submitter. Criteria: ACMG Guidelines, 2015. Collection method: clinical testing. Allele origin: germline. Affected: yes.
Comment: The variant is observed at an extremely low frequency in the gnomAD v4.1.0 dataset (total allele frequency: <0.001%). Predicted Consequence/Location: Missense variant Damaging effect on gene or gene product predicted by in silico programs is uncertain [REVEL: 0.13 (damaging >=0.6, benign <0.4), 3Cnet: 0.23 (damaging >=0.6, benign <0.15)]. Therefore, this variant is classified as VUS according to the recommendation of ACMG/AMP guideline.

NM_000092.5(COL4A4):c.2476C>T (p.His826Tyr)

Gene: COL4A4 (collagen type IV alpha 4 chain; minus strand). Cytogenetic location: 2q36.3.
Variant type: single nucleotide variant.
Coding change: c.2476C>T on transcript NM_000092.5 (MANE Select); coding-DNA position 2476, C replaced by T.
Protein change: p.His826Tyr; replaces histidine 826 with tyrosine.
Molecular consequence: missense variant.
Genome position (GRCh38, 1-based): chr2:227,057,508, G>A on the plus strand (C>T on the coding strand, the complement: COL4A4 is on the minus strand). VCF-style: chr2-227057508-G-A. GRCh37 (hg19) VCF-style: chr2-227922224-G-A.
Other names: short protein forms H826Y.
Identifiers: ClinVar variation 4292375 (VCV004292375.1).